The following is an entry in ClinVar:

NM_000179.3(MSH6):c.4067T>G (p.Leu1356Trp)

Gene: MSH6 (mutS homolog 6; plus strand). Cytogenetic location: 2p16.3.
Variant type: single nucleotide variant.
Coding change: c.4067T>G on transcript NM_000179.3 (MANE Select); coding-DNA position 4067, T replaced by G.
Protein change: p.Leu1356Trp; replaces leucine 1356 with tryptophan.
Molecular consequence: missense variant. On other transcripts: 3 prime UTR variant (5), non-coding transcript variant (5).
Genome position (GRCh38, 1-based): chr2:47,806,844, T>G. VCF-style: chr2-47806844-T-G. GRCh37 (hg19) VCF-style: chr2-48033983-T-G.
Other names: c.3677T>G, p.Leu1226Trp (NM_001281492.2); c.3161T>G, p.Leu1054Trp (NM_001281493.2, NM_001281494.2, NM_001406811.1 and 6 more transcripts); c.4163T>G, p.Leu1388Trp (NM_001406795.1); c.4067T>G, p.Leu1356Trp (NM_001406796.1, NM_001406809.1); c.3770T>G, p.Leu1257Trp (NM_001406797.1, NM_001406805.1, NM_001406818.1 and 8 more transcripts); c.3893T>G, p.Leu1298Trp (NM_001406798.1); c.3542T>G, p.Leu1181Trp (NM_001406799.1, NM_001406806.1, NM_001406807.1); c.*88T>G (NM_001406800.1); and 9 more; short protein forms L1054W, L1068W, L1181W, L1226W, L1257W, L1298W, L1300W, L1330W.
Identifiers: ClinVar variation 3070433 (VCV003070433.1), dbSNP rs1289627423, ClinGen allele CA346761746.

ClinVar aggregate classification (germline): Uncertain significance (1 of 4 stars; one submission).

Conditions:
Lynch syndrome. Identifiers: Orphanet 144, MedGen C4552100, MONDO:0005835. Disease mechanism: loss of function.

Submission:

All of Us Research Program, National Institutes of Health
Classification: Uncertain significance for Lynch syndrome. Last evaluated: 2023-04-10. Review status: criteria provided, single submitter. Criteria: ACMG Guidelines, 2015. Collection method: clinical testing. Allele origin: germline. Inheritance: Autosomal dominant inheritance. Observed: 1 variant allele, 1 heterozygote.
Comment: This missense variant replaces leucine with tryptophan at codon 1356 of the MSH6 protein. Computational prediction is inconclusive regarding the impact of this variant on protein structure and function (internally defined REVEL score threshold 0.5 < inconclusive < 0.7, PMID: 27666373). To our knowledge, functional studies have not been reported for this variant. This variant has not been reported in individuals affected with MSH6-related disorders in the literature. This variant has not been identified in the general population by the Genome Aggregation Database (gnomAD). The available evidence is insufficient to determine the role of this variant in disease conclusively. Therefore, this variant is classified as a Variant of Uncertain Significance.

This study involves interpretation of variants in research participants for the purpose of population health screening. Participant phenotype was not available at the time of variant classification. Additional details can be found in publication PMID: 35346344, PMCID: PMC8962531